The following is an entry in ClinVar:

ClinVar aggregate classification (germline): Uncertain significance (1 of 4 stars; one submission).

Submission:

CeGaT Center for Human Genetics Tuebingen
Classification: Uncertain significance. Last evaluated: 2025-08-01. Review status: criteria provided, single submitter. Criteria: CeGaT Center For Human Genetics Tuebingen Variant Classification Criteria Version 2. Collection method: clinical testing. Allele origin: germline. Affected: yes. Observed: 1 variant allele.
Comment: AP5Z1: PM2, BP4

NM_014855.3(AP5Z1):c.2302C>T (p.Leu768Phe)

Gene: AP5Z1 (adaptor related protein complex 5 subunit zeta 1; plus strand). Cytogenetic location: 7p22.1.
Variant type: single nucleotide variant.
Coding change: c.2302C>T on transcript NM_014855.3 (MANE Select); coding-DNA position 2302, C replaced by T.
Protein change: p.Leu768Phe; replaces leucine 768 with phenylalanine.
Molecular consequence: missense variant. On other transcripts: non-coding transcript variant (1).
Genome position (GRCh38, 1-based): chr7:4,791,263, C>T. VCF-style: chr7-4791263-C-T. GRCh37 (hg19) VCF-style: chr7-4830894-C-T.
Other names: c.1834C>T, p.Leu612Phe (NM_001364858.1); short protein forms L612F, L768F.
Identifiers: ClinVar variation 4084783 (VCV004084783.8).